The following is an entry in ClinVar:

ClinVar aggregate classification (germline): Likely benign. Review status: criteria provided, single submitter (1 of 4 stars). 2 submissions from 2 submitters: Likely benign (1). 1 of the submissions does not count toward it. Last evaluated 2026-08-01.

Conditions:
MAPK8IP3-related disorder. Also called: MAPK8IP3-related condition.

Allele frequency attached by ClinVar (database versions not stated): 1000 Genomes Project 30x 0.00031; 1000 Genomes Project 0.00040; TOPMed 0.00100; ExAC 0.00101; gnomAD 0.00110; ESP Exome Variant Server 0.00115; gnomAD exomes 0.00155.
gnomAD v4.1: 2,401 of 1,613,660 alleles (0.15%); highest among the groups gnomAD compares: Non-Finnish European, 0.19%; 4 homozygotes.

Submissions (2):

CeGaT Center for Human Genetics Tuebingen
Classification: Likely benign. Last evaluated: 2026-08-01. Review status: criteria provided, single submitter. Criteria: CeGaT Center For Human Genetics Tuebingen Variant Classification Criteria Version 2. Collection method: clinical testing. Allele origin: germline. Affected: yes. Observed: 11 variant alleles.
Comment: MAPK8IP3: BP4, BP7, BS1

PreventionGenetics, part of Exact Sciences
Classification: Likely benign for MAPK8IP3-related condition. Last evaluated: 2019-11-04. Review status: no assertion criteria provided. Collection method: clinical testing. Allele origin: germline. Not counted in ClinVar's aggregate classification.
Comment: This variant is classified as likely benign based on ACMG/AMP sequence variant interpretation guidelines (Richards et al. 2015 PMID: 25741868, with internal and published modifications).

NM_001318852.2(MAPK8IP3):c.1473C>T (p.Ala491=)

Gene: MAPK8IP3 (mitogen-activated protein kinase 8 interacting protein 3; plus strand). Cytogenetic location: 16p13.3.
Variant type: single nucleotide variant.
Coding change: c.1473C>T on transcript NM_001318852.2 (MANE Select); coding-DNA position 1473, C replaced by T.
Protein change: p.Ala491=; no amino-acid change (alanine 491 retained).
Molecular consequence: synonymous variant.
Genome position (GRCh38, 1-based): chr16:1,761,239, C>T. VCF-style: chr16-1761239-C-T. GRCh37 (hg19) VCF-style: chr16-1811240-C-T.
Other names: c.1452C>T, p.Ala484= (NM_001040439.2); c.1470C>T, p.Ala490= (NM_015133.5, NM_033392.3); c.1473C>T (NM_001318852.1).
Identifiers: ClinVar variation 2498636 (VCV002498636.28), dbSNP rs199824890, ClinGen allele CA7816864.